The following is an entry in ClinVar:

NM_016222.4(DDX41):c.326A>C (p.Gln109Pro)

Gene: DDX41 (DEAD-box helicase 41; minus strand). Cytogenetic location: 5q35.3.
Variant type: single nucleotide variant.
Coding change: c.326A>C on transcript NM_016222.4 (MANE Select); coding-DNA position 326, A replaced by C.
Protein change: p.Gln109Pro; replaces glutamine 109 with proline.
Molecular consequence: missense variant. On other transcripts: 5 prime UTR variant (2).
Genome position (GRCh38, 1-based): chr5:177,516,166, T>G on the plus strand (A>C on the coding strand, the complement: DDX41 is on the minus strand). VCF-style: chr5-177516166-T-G. GRCh37 (hg19) VCF-style: chr5-176943167-T-G.
Other names: c.-53A>C (NM_001321732.2, NM_001321830.2); short protein forms Q109P.
Identifiers: ClinVar variation 4238733 (VCV004238733.1).

ClinVar aggregate classification (germline): Uncertain significance (1 of 4 stars; one submission).

Conditions:
Inborn genetic diseases. Identifiers: MedGen C0950123, MeSH D030342.

Submission:

Ambry Genetics
Classification: Uncertain significance for Inborn genetic diseases. Last evaluated: 2025-06-19. Review status: criteria provided, single submitter. Criteria: Ambry Variant Classification Scheme 2023. Collection method: clinical testing. Allele origin: germline.
Comment: The p.Q109P variant (also known as c.326A>C), located in coding exon 4 of the DDX41 gene, results from an A to C substitution at nucleotide position 326. The glutamine at codon 109 is replaced by proline, an amino acid with similar properties. This amino acid position is conserved. In addition, the in silico prediction for this alteration is inconclusive. Based on the available evidence, the clinical significance of this variant remains unclear.